The following is an entry in ClinVar:

ClinVar aggregate classification (germline): Likely benign. Review status: criteria provided, multiple submitters, no conflicts (2 of 4 stars). 3 submissions from 3 submitters: Likely benign (3). Last evaluated 2025-12-05.

Conditions:
ADGRV1-related disorder. Also called: ADGRV1-related disorders; ADGRV1-related condition.

Allele frequency attached by ClinVar (database versions not stated): ExAC 0.00002; gnomAD 0.00003; gnomAD exomes 0.00001; TOPMed 0.00001.
gnomAD v4.1: 17 of 1,601,208 alleles (0.0011%); highest among the groups gnomAD compares: African/African-American, 0.0027%; no homozygotes.

Submissions (3):

PreventionGenetics, part of Exact Sciences
Classification: Likely benign for ADGRV1-related condition. Last evaluated: 2025-12-05. Review status: criteria provided, single submitter. Criteria: ACMG Guidelines, 2015. Collection method: clinical testing. Allele origin: germline.
Comment: This variant is classified as likely benign based on ACMG/AMP sequence variant interpretation guidelines (Richards et al. 2015 PMID: 25741868, with internal and published modifications).

Blueprint Genetics
Classification: Likely benign. Last evaluated: 2024-10-11. Review status: criteria provided, single submitter. Criteria: ACMG Guidelines, 2015. Collection method: clinical testing. Allele origin: germline.

Labcorp Genetics (formerly Invitae), Labcorp
Classification: Likely benign. Last evaluated: 2024-09-18. Review status: criteria provided, single submitter. Criteria: Invitae Variant Classification Sherloc (09022015). Collection method: clinical testing. Allele origin: germline.

NM_032119.4(ADGRV1):c.6453T>C (p.Ser2151=)

Gene: ADGRV1 (adhesion G protein-coupled receptor V1; plus strand). Cytogenetic location: 5q14.3.
Variant type: single nucleotide variant.
Coding change: c.6453T>C on transcript NM_032119.4 (MANE Select); coding-DNA position 6453, T replaced by C.
Protein change: p.Ser2151=; no amino-acid change (serine 2151 retained).
Molecular consequence: synonymous variant. On other transcripts: non-coding transcript variant (1).
Genome position (GRCh38, 1-based): chr5:90,685,958, T>C. VCF-style: chr5-90685958-T-C. GRCh37 (hg19) VCF-style: chr5-89981775-T-C.
Other names: c.6453T>C (NM_032119.3).
Identifiers: ClinVar variation 1667598 (VCV001667598.10), dbSNP rs752879440, ClinGen allele CA3339785.
Genomic context (GRCh38, chr5:90,685,958, plus strand): 5'-AAATCATGTTGGACCCATTATCAATGTGACTAGAACAGGAGGAGCATTTGCAGATGTCTC[T>C]GTGAAGTTTAAAGCTGTGCCAATAACTGCAATAGCTGGTAAGAAAAGACATCTAAAAAGC-3'
Protein context (NP_115495.3, residues 2141-2161): TRTGGAFADV[Ser2151=]VKFKAVPITA